The following is an entry in ClinVar:

NM_001943.5(DSG2):c.1501G>A (p.Glu501Lys)

Gene: DSG2 (desmoglein 2; plus strand). Cytogenetic location: 18q12.1.
Variant type: single nucleotide variant.
Coding change: c.1501G>A on transcript NM_001943.5 (MANE Select); coding-DNA position 1501, G replaced by A.
Protein change: p.Glu501Lys; replaces glutamic acid 501 with lysine.
Molecular consequence: missense variant.
Genome position (GRCh38, 1-based): chr18:31,536,279, G>A. VCF-style: chr18-31536279-G-A. GRCh37 (hg19) VCF-style: chr18-29116242-G-A.
Other names: short protein forms E501K.
Identifiers: ClinVar variation 3842623 (VCV003842623.1).

ClinVar aggregate classification (germline): Uncertain significance (1 of 4 stars; one submission).

Conditions:
Cardiovascular phenotype. Identifiers: MedGen CN230736.

gnomAD v4.1: 2 of 1,614,182 alleles (0.00012%); highest among the groups gnomAD compares: Non-Finnish European, 0.000085%; no homozygotes.

Submission:

Ambry Genetics
Classification: Uncertain significance for Cardiovascular phenotype. Last evaluated: 2025-02-10. Review status: criteria provided, single submitter. Criteria: Ambry Variant Classification Scheme 2023. Collection method: clinical testing. Allele origin: germline.
Comment: The p.E501K variant (also known as c.1501G>A), located in coding exon 11 of the DSG2 gene, results from a G to A substitution at nucleotide position 1501. The glutamic acid at codon 501 is replaced by lysine, an amino acid with similar properties. This amino acid position is conserved. In addition, this alteration is predicted to be tolerated by in silico analysis. Based on the available evidence, the clinical significance of this variant remains unclear.